The following is an entry in ClinVar:

NM_000492.4(CFTR):c.3717+5793G>T

Genes: CFTR (CF transmembrane conductance regulator; plus strand), CFTR-AS2 (CFTR antisense RNA 2; minus strand). Cytogenetic location: 7q31.2.
Variant type: single nucleotide variant.
Coding change: c.3717+5793G>T on transcript NM_000492.4 (MANE Select); 5793 bases into the intron after coding-DNA position 3717, G replaced by T.
Molecular consequence: intron variant.
Genome position (GRCh38, 1-based): chr7:117,633,563, G>T. VCF-style: chr7-117633563-G-T. GRCh37 (hg19) VCF-style: chr7-117273617-G-T.
Identifiers: ClinVar variation 1331708 (VCV001331708.1), dbSNP rs567468206, ClinGen allele CA164979255.

ClinVar aggregate classification (germline): Uncertain significance (1 of 4 stars; one submission).

Conditions:
Cystic fibrosis (CF). Also called: MUCOVISCIDOSIS. Identifiers: Orphanet 586, MedGen C0010674, MONDO:0009061, OMIM 219700. Disease mechanism: loss of function.

Allele frequency attached by ClinVar (database versions not stated): TOPMed 0.00066; 1000 Genomes Project 0.00020; 1000 Genomes Project 30x 0.00031; gnomAD 0.00061.
gnomAD v4.1: 91 of 151,610 alleles (0.06%); highest among the groups gnomAD compares: Non-Finnish European, 0.11%; no homozygotes.

Submission:

Johns Hopkins Genomics, Johns Hopkins University
Classification: Uncertain significance for Cystic fibrosis. Last evaluated: 2021-11-11. Review status: criteria provided, single submitter. Criteria: ACMG Guidelines, 2015. Collection method: clinical testing. Allele origin: germline.
Comment: This CFTR variant (rs567468206) is rare (<0.1%) in a large population dataset (gnomAD: 14/31010 total alleles; 0.04515%; no homozygotes). It has not been reported in ClinVar nor the literature, to our knowledge. Of four bioinformatics tools queried, one predicts that this variant may create a cryptic splice site, while three predict that it would not impact splicing. Functional splicing studies have not been performed for this variant. We consider the clinical significance of c.3717+5793G>T to be uncertain at this time.